The following is an entry in ClinVar:

ClinVar aggregate classification (germline): Uncertain significance. Review status: criteria provided, multiple submitters, no conflicts (2 of 4 stars). 6 submissions from 4 submitters: Uncertain significance (6). Last evaluated 2024-03-30.

Conditions:
Dilated cardiomyopathy 1D. Identifiers: Orphanet 154, Orphanet 54260, MedGen C1832243, MONDO:0011095, OMIM 601494.
Cardiomyopathy, familial restrictive, 3. Identifiers: Orphanet 75249, MedGen C2676271, MONDO:0012900, OMIM 612422.
Hypertrophic cardiomyopathy 2. Also called: TNNT2-Related Familial Hypertrophic Cardiomyopathy. Identifiers: MedGen C1861864, MONDO:0007266, OMIM 115195.
Cardiovascular phenotype. Identifiers: MedGen CN230736.

Submissions (6):

Ambry Genetics
Classification: Uncertain significance for Cardiovascular phenotype. Last evaluated: 2024-03-30. Review status: criteria provided, single submitter. Criteria: Ambry Variant Classification Scheme 2023. Collection method: clinical testing. Allele origin: germline.
Comment: The c.584_585delAG variant, located in coding exon 12 of the TNNT2 gene, results from a deletion of two nucleotides at nucleotide positions 584 to 585, causing a translational frameshift with a predicted alternate stop codon (p.E195Afs*9). This alteration is expected to result in protein truncation or nonsense-mediated mRNA decay. However, loss of function of TNNT2 has not been established as a mechanism of disease. Based on the available evidence, the clinical significance of this alteration remains unclear.

Genome-Nilou Lab
Classification: Uncertain significance for Dilated cardiomyopathy 1D. Last evaluated: 2023-04-11. Review status: criteria provided, single submitter. Criteria: ACMG Guidelines, 2015. Collection method: clinical testing. Allele origin: germline. Affected: no.

Genome-Nilou Lab
Classification: Uncertain significance for Cardiomyopathy, familial restrictive, 3. Last evaluated: 2023-04-11. Review status: criteria provided, single submitter. Criteria: ACMG Guidelines, 2015. Collection method: clinical testing. Allele origin: germline. Affected: no.

Genome-Nilou Lab
Classification: Uncertain significance for Hypertrophic cardiomyopathy 2. Last evaluated: 2023-04-11. Review status: criteria provided, single submitter. Criteria: ACMG Guidelines, 2015. Collection method: clinical testing. Allele origin: germline. Affected: no.

Labcorp Genetics (formerly Invitae), Labcorp
Classification: Uncertain significance for Cardiomyopathy, familial restrictive, 3; Hypertrophic cardiomyopathy 2; Dilated cardiomyopathy 1D. Last evaluated: 2022-03-06. Review status: criteria provided, single submitter. Criteria: Invitae Variant Classification Sherloc (09022015). Collection method: clinical testing. Allele origin: germline.
Comment: This sequence change creates a premature translational stop signal (p.Glu195Alafs*9) in the TNNT2 gene. It is expected to result in an absent or disrupted protein product. However, the current clinical and genetic evidence is not sufficient to establish whether loss-of-function variants in TNNT2 cause disease. This variant is not present in population databases (gnomAD no frequency). This variant has not been reported in the literature in individuals affected with TNNT2-related conditions. ClinVar contains an entry for this variant (Variation ID: 642953). Algorithms developed to predict the effect of sequence changes on RNA splicing suggest that this variant may disrupt the consensus splice site. In summary, the available evidence is currently insufficient to determine the role of this variant in disease. Therefore, it has been classified as a Variant of Uncertain Significance.

AiLife Diagnostics
Classification: Uncertain significance. Last evaluated: 2022-02-10. Review status: criteria provided, single submitter. Criteria: ACMG Guidelines, 2015. Collection method: clinical testing. Allele origin: germline. Affected: yes. Observed: 1 variant allele.

Literature cited by the submitters: PubMed 33087929 (cited by AiLife Diagnostics).

NM_001276345.2(TNNT2):c.614_615del (p.Glu205fs)

Gene: TNNT2 (troponin T2, cardiac type; minus strand). Cytogenetic location: 1q32.1.
Variant type: Microsatellite.
Coding change: c.614_615del on transcript NM_001276345.2 (MANE Select); coding-DNA positions 614 to 615, 2 bases deleted (AG; older notation c.614_615delAG).
Protein change: p.Glu205fs; shifts the reading frame from glutamic acid 205.
Molecular consequence: frameshift variant.
Genome position (GRCh38, 1-based): chr1:201,362,017-201,362,018, CT deleted on the plus strand (AG on the coding strand, the reverse complement: TNNT2 is on the minus strand); deleting any 2 consecutive bases within chr1:201,362,017-201,362,020 gives the same sequence; the c. name uses the placement nearest the transcript's 3' end. VCF-style (leftmost placement, unchanged base first): chr1-201362016-GCT-G. GRCh37 (hg19) VCF-style: chr1-201331144-GCT-G.
Other names: c.584_585del, p.Glu195fs (NM_001276347.2, NM_001001430.3); c.605_606del, p.Glu202fs (NM_000364.4); c.575_576del, p.Glu192fs (NM_001001431.3); c.566_567del, p.Glu189fs (NM_001001432.3); c.485_486del, p.Glu162fs (NM_001276346.2); c.584_585delAG (NM_001001430.1); short protein forms E189fs, E195fs, E192fs, E205fs, E202fs, E162fs.
Identifiers: ClinVar variation 642953 (VCV000642953.8), dbSNP rs760664767, ClinGen allele CA089095.